The following is an entry in ClinVar:

NM_001378615.1(CC2D2A):c.4396T>G (p.Phe1466Val)

Genes: CC2D2A (coiled-coil and C2 domain containing 2A; plus strand), FBXL5 (F-box and leucine rich repeat protein 5; minus strand). Cytogenetic location: 4p15.32.
Variant type: single nucleotide variant.
Coding change: c.4396T>G on transcript NM_001378615.1 (MANE Select); coding-DNA position 4396, T replaced by G.
Protein change: p.Phe1466Val; replaces phenylalanine 1466 with valine.
Molecular consequence: missense variant.
Genome position (GRCh38, 1-based): chr4:15,596,166, T>G. VCF-style: chr4-15596166-T-G. GRCh37 (hg19) VCF-style: chr4-15597789-T-G.
Other names: c.4396T>G, p.Phe1466Val (NM_001080522.2); c.4249T>G, p.Phe1417Val (NM_001378617.1); short protein forms F1466V, F1417V.
Identifiers: ClinVar variation 1372430 (VCV001372430.8), dbSNP rs1170583979, ClinGen allele CA356431610.
Genomic context (GRCh38, chr4:15,596,166, plus strand): 5'-TATGAATCTCCACTAAGGATAAATTTTGATGTCACCAGGCCCAAGCTATGGAAATCTTTC[T>G]TTTCAAGAAGCCTTCCATATCCTGGCCTTTCCAGTGTTCAGGTATAAATCTTTTATTAAC-3'
Protein context (NP_001365544.1, residues 1456-1476): VTRPKLWKSF[Phe1466Val]SRSLPYPGLS

ClinVar aggregate classification (germline): Uncertain significance. Review status: criteria provided, multiple submitters, no conflicts (2 of 4 stars). 2 submissions from 2 submitters: Uncertain significance (2). Last evaluated 2022-10-17.

Conditions:
Joubert syndrome. Also called: JOUBERT-BOLTSHAUSER SYNDROME; Familial aplasia of the vermis. Identifiers: Orphanet 475, MedGen C5979921, MONDO:0018772.
Meckel-Gruber syndrome. Also called: DYSENCEPHALIA SPLANCHNOCYSTICA; GRUBER SYNDROME; Dysencephalia splachnocystica. Identifiers: Orphanet 564, MedGen C0265215, MONDO:0018921.

Allele frequency attached by ClinVar (database versions not stated): gnomAD exomes 0.00001.

Submissions (2):

Labcorp Genetics (formerly Invitae), Labcorp
Classification: Uncertain significance for Joubert syndrome; Meckel-Gruber syndrome. Last evaluated: 2022-10-17. Review status: criteria provided, single submitter. Criteria: Invitae Variant Classification Sherloc (09022015). Collection method: clinical testing. Allele origin: germline.
Comment: This sequence change replaces phenylalanine, which is neutral and non-polar, with valine, which is neutral and non-polar, at codon 1466 of the CC2D2A protein (p.Phe1466Val). This variant is present in population databases (no rsID available, gnomAD no frequency). This variant has not been reported in the literature in individuals affected with CC2D2A-related conditions. ClinVar contains an entry for this variant (Variation ID: 1372430). Advanced modeling of protein sequence and biophysical properties (such as structural, functional, and spatial information, amino acid conservation, physicochemical variation, residue mobility, and thermodynamic stability) performed at Invitae indicates that this missense variant is expected to disrupt CC2D2A protein function. In summary, the available evidence is currently insufficient to determine the role of this variant in disease. Therefore, it has been classified as a Variant of Uncertain Significance.

Revvity Omics, Revvity
Classification: Uncertain significance. Last evaluated: 2021-06-15. Review status: criteria provided, single submitter. Criteria: ACMG Guidelines, 2015. Collection method: clinical testing. Allele origin: germline.